The following is an entry in ClinVar:

NM_206933.4(USH2A):c.6349C>T (p.Gln2117Ter)

Gene: USH2A (usherin; minus strand). Cytogenetic location: 1q41.
Variant type: single nucleotide variant.
Coding change: c.6349C>T on transcript NM_206933.4 (MANE Select); coding-DNA position 6349, C replaced by T.
Protein change: p.Gln2117Ter; replaces glutamine 2117 with a stop codon.
Molecular consequence: nonsense.
Genome position (GRCh38, 1-based): chr1:216,000,539, G>A on the plus strand (C>T on the coding strand, the complement: USH2A is on the minus strand). VCF-style: chr1-216000539-G-A. GRCh37 (hg19) VCF-style: chr1-216173881-G-A.
Other names: short protein forms Q2117*.
Identifiers: ClinVar variation 2748708 (VCV002748708.3), dbSNP rs1377434894, ClinGen allele CA344861937.

ClinVar aggregate classification (germline): Pathogenic (1 of 4 stars; one submission).

Submission:

Labcorp Genetics (formerly Invitae), Labcorp
Classification: Pathogenic. Last evaluated: 2023-07-31. Review status: criteria provided, single submitter. Criteria: Invitae Variant Classification Sherloc (09022015). Collection method: clinical testing. Allele origin: germline.
Comment: For these reasons, this variant has been classified as Pathogenic. This sequence change creates a premature translational stop signal (p.Gln2117*) in the USH2A gene. It is expected to result in an absent or disrupted protein product. Loss-of-function variants in USH2A are known to be pathogenic (PMID: 10729113, 10909849, 20507924, 25649381). This variant is not present in population databases (gnomAD no frequency). This variant has not been reported in the literature in individuals affected with USH2A-related conditions.

Literature cited by the submitters: PubMed 10729113; PubMed 10909849; PubMed 20507924; PubMed 25649381.